The following is an entry in ClinVar:

NM_012318.3(LETM1):c.968G>A (p.Arg323Gln)

Gene: LETM1 (leucine zipper and EF-hand containing transmembrane protein 1; minus strand). Cytogenetic location: 4p16.3.
Variant type: single nucleotide variant.
Coding change: c.968G>A on transcript NM_012318.3 (MANE Select); coding-DNA position 968, G replaced by A.
Protein change: p.Arg323Gln; replaces arginine 323 with glutamine.
Molecular consequence: missense variant.
Genome position (GRCh38, 1-based): chr4:1,832,856, C>T on the plus strand (G>A on the coding strand, the complement: LETM1 is on the minus strand). VCF-style: chr4-1832856-C-T. GRCh37 (hg19) VCF-style: chr4-1834583-C-T.
Other names: c.968G>A (NM_012318.2); short protein forms R323Q.
Identifiers: ClinVar variation 2182828 (VCV002182828.7), dbSNP rs376341002, ClinGen allele CA2811459.

ClinVar aggregate classification (germline): Uncertain significance. Review status: criteria provided, multiple submitters, no conflicts (2 of 4 stars). 2 submissions from 2 submitters: Uncertain significance (2). Last evaluated 2025-08-30.

Conditions:
Inborn genetic diseases. Identifiers: MedGen C0950123, MeSH D030342.

Allele frequency attached by ClinVar (database versions not stated): ExAC 0.00002; gnomAD 0.00002; gnomAD exomes 0.00003; TOPMed 0.00005; ESP Exome Variant Server 0.00008.
gnomAD v4.1: 44 of 1,613,820 alleles (0.0027%); highest among the groups gnomAD compares: Admixed American, 0.0067%; no homozygotes.

Submissions (2):

Ambry Genetics
Classification: Uncertain significance for Inborn genetic diseases. Last evaluated: 2025-08-30. Review status: criteria provided, single submitter. Criteria: Ambry Variant Classification Scheme 2023. Collection method: clinical testing. Allele origin: germline.

Labcorp Genetics (formerly Invitae), Labcorp
Classification: Uncertain significance. Last evaluated: 2022-08-22. Review status: criteria provided, single submitter. Criteria: Invitae Variant Classification Sherloc (09022015). Collection method: clinical testing. Allele origin: germline.
Comment: In summary, the available evidence is currently insufficient to determine the role of this variant in disease. Therefore, it has been classified as a Variant of Uncertain Significance. Algorithms developed to predict the effect of missense changes on protein structure and function are either unavailable or do not agree on the potential impact of this missense change (SIFT: "Tolerated"; PolyPhen-2: "Probably Damaging"; Align-GVGD: "Class C0"). This variant has not been reported in the literature in individuals affected with LETM1-related conditions. This variant is present in population databases (rs376341002, gnomAD 0.01%). This sequence change replaces arginine, which is basic and polar, with glutamine, which is neutral and polar, at codon 323 of the LETM1 protein (p.Arg323Gln).